The following is an entry in ClinVar:

ClinVar aggregate classification (germline): Uncertain significance (1 of 4 stars; one submission).

Conditions:
Cardiovascular phenotype. Identifiers: MedGen CN230736.

gnomAD v4.1: 1 of 1,606,846 alleles (0.000062%); highest among the groups gnomAD compares: Non-Finnish European, 0.000085%; no homozygotes.

Submission:

Ambry Genetics
Classification: Uncertain significance for Cardiovascular phenotype. Last evaluated: 2026-07-17. Review status: criteria provided, single submitter. Criteria: Ambry Variant Classification Scheme 2023. Collection method: clinical testing. Allele origin: germline.
Comment: The p.R138C variant (also known as c.412C>T), located in coding exon 2 of the JPH2 gene, results from a C to T substitution at nucleotide position 412. The arginine at codon 138 is replaced by cysteine, an amino acid with highly dissimilar properties. This amino acid position is conserved. In addition, the in silico prediction for this alteration is inconclusive. Based on the available evidence, the clinical significance of this variant remains unclear.

NM_020433.5(JPH2):c.412C>T (p.Arg138Cys)

Gene: JPH2 (junctophilin 2; minus strand). Cytogenetic location: 20q13.12.
Variant type: single nucleotide variant.
Coding change: c.412C>T on transcript NM_020433.5 (MANE Select); coding-DNA position 412, C replaced by T.
Protein change: p.Arg138Cys; replaces arginine 138 with cysteine.
Molecular consequence: missense variant.
Genome position (GRCh38, 1-based): chr20:44,160,375, G>A on the plus strand (C>T on the coding strand, the complement: JPH2 is on the minus strand). VCF-style: chr20-44160375-G-A. GRCh37 (hg19) VCF-style: chr20-42789015-G-A.
Other names: short protein forms R138C.
Identifiers: ClinVar variation 5022902 (VCV005022902.1).